The following is an entry in ClinVar:

ClinVar aggregate classification (germline): Uncertain significance. Review status: criteria provided, multiple submitters, no conflicts (2 of 4 stars). 3 submissions from 3 submitters: Uncertain significance (3). Last evaluated 2024-11-30.

Conditions:
Fanconi anemia (FA). Also called: Fanconi's anemia. Identifiers: Orphanet 84, MedGen C0015625, MeSH D005199, MONDO:0019391.
Inborn genetic diseases. Identifiers: MedGen C0950123, MeSH D030342.

Allele frequency attached by ClinVar (database versions not stated): TOPMed below 0.00001.
gnomAD v4.1: 1 of 1,613,876 alleles (0.000062%); highest among the groups gnomAD compares: Non-Finnish European, 0.000085%; no homozygotes.

Submissions (3):

Ambry Genetics
Classification: Uncertain significance for Inborn genetic diseases. Last evaluated: 2024-11-30. Review status: criteria provided, single submitter. Criteria: Ambry Variant Classification Scheme 2023. Collection method: clinical testing. Allele origin: germline.
Comment: The p.V781M variant (also known as c.2341G>A), located in coding exon 26 of the FANCA gene, results from a G to A substitution at nucleotide position 2341. The valine at codon 781 is replaced by methionine, an amino acid with highly similar properties. This amino acid position is conserved. In addition, the in silico prediction for this alteration is inconclusive. Based on the available evidence, the clinical significance of this variant remains unclear.

Labcorp Genetics (formerly Invitae), Labcorp
Classification: Uncertain significance for Fanconi anemia. Last evaluated: 2022-03-25. Review status: criteria provided, single submitter. Criteria: Invitae Variant Classification Sherloc (09022015). Collection method: clinical testing. Allele origin: germline.
Comment: This sequence change replaces valine, which is neutral and non-polar, with methionine, which is neutral and non-polar, at codon 781 of the FANCA protein (p.Val781Met). This variant is not present in population databases (gnomAD no frequency). This variant has not been reported in the literature in individuals affected with FANCA-related conditions. Advanced modeling of protein sequence and biophysical properties (such as structural, functional, and spatial information, amino acid conservation, physicochemical variation, residue mobility, and thermodynamic stability) performed at Invitae indicates that this missense variant is not expected to disrupt FANCA protein function. In summary, the available evidence is currently insufficient to determine the role of this variant in disease. Therefore, it has been classified as a Variant of Uncertain Significance.

Breakthrough Genomics
Classification: Uncertain significance. Review status: criteria provided, single submitter. Criteria: ACMG Guidelines, 2015. Collection method: not provided. Allele origin: germline. Inheritance: Autosomal recessive inheritance. Affected: yes.

NM_000135.4(FANCA):c.2341G>A (p.Val781Met)

Gene: FANCA (FA complementation group A; minus strand). Cytogenetic location: 16q24.3.
Variant type: single nucleotide variant.
Coding change: c.2341G>A on transcript NM_000135.4 (MANE Select); coding-DNA position 2341, G replaced by A.
Protein change: p.Val781Met; replaces valine 781 with methionine.
Molecular consequence: missense variant.
Genome position (GRCh38, 1-based): chr16:89,770,000, C>T on the plus strand (G>A on the coding strand, the complement: FANCA is on the minus strand). VCF-style: chr16-89770000-C-T. GRCh37 (hg19) VCF-style: chr16-89836408-C-T.
Other names: c.2341G>A, p.Val781Met (NM_001286167.3); c.2341G>A (NM_000135.2); short protein forms V781M.
Identifiers: ClinVar variation 1423661 (VCV001423661.5), dbSNP rs1246628258, ClinGen allele CA397444482.
Genomic context (GRCh38, chr16:89,770,000, plus strand): 5'-CCTCTGGGAGCGCAGACCTGGACTCACCCAGGTGCACGGCCAGGGCAGCCAACCCCAGCA[C>T]ATGTGGGGCACTCAGGCTCGGGCCCTGCAACGAGAATGAGGGTGGCAGAGCAGACTGCCC-3'
Protein context (NP_000126.2, residues 771-791): HQGPSLSAPH[Val781Met]LGLAALAVHL